The following is an entry in ClinVar:

ClinVar aggregate classification (germline): Uncertain significance (1 of 4 stars; one submission).

Conditions:
Kabuki syndrome. Also called: NIIKAWA-KUROKI SYNDROME; Kabuki make-up syndrome. Identifiers: Orphanet 2322, MedGen C0796004, MONDO:0016512.

Allele frequency attached by ClinVar (database versions not stated): gnomAD exomes below 0.00001.
gnomAD v4.1: 1 of 1,613,636 alleles (0.000062%); highest among the groups gnomAD compares: Non-Finnish European, 0.000085%; no homozygotes.

Submission:

Labcorp Genetics (formerly Invitae), Labcorp
Classification: Uncertain significance for Kabuki syndrome. Last evaluated: 2025-10-21. Review status: criteria provided, single submitter. Criteria: Invitae Variant Classification Sherloc (09022015). Collection method: clinical testing. Allele origin: germline.
Comment: This sequence change replaces asparagine, which is neutral and polar, with serine, which is neutral and polar, at codon 2030 of the KMT2D protein (p.Asn2030Ser). This variant is not present in population databases (gnomAD no frequency). This variant has not been reported in the literature in individuals affected with KMT2D-related conditions. ClinVar contains an entry for this variant (Variation ID: 1368956). Invitae Evidence Modeling of protein sequence and biophysical properties (such as structural, functional, and spatial information, amino acid conservation, physicochemical variation, residue mobility, and thermodynamic stability) indicates that this missense variant is not expected to disrupt KMT2D protein function with a negative predictive value of 95%. In summary, the available evidence is currently insufficient to determine the role of this variant in disease. Therefore, it has been classified as a Variant of Uncertain Significance.

NM_003482.4(KMT2D):c.6089A>G (p.Asn2030Ser)

Gene: KMT2D (lysine methyltransferase 2D; minus strand). Cytogenetic location: 12q13.12.
Variant type: single nucleotide variant.
Coding change: c.6089A>G on transcript NM_003482.4 (MANE Select); coding-DNA position 6089, A replaced by G.
Protein change: p.Asn2030Ser; replaces asparagine 2030 with serine.
Molecular consequence: missense variant.
Genome position (GRCh38, 1-based): chr12:49,042,109, T>C on the plus strand (A>G on the coding strand, the complement: KMT2D is on the minus strand). VCF-style: chr12-49042109-T-C. GRCh37 (hg19) VCF-style: chr12-49435892-T-C.
Other names: short protein forms N2030S.
Identifiers: ClinVar variation 1368956 (VCV001368956.8), dbSNP rs2120552834, ClinGen allele CA384626697.